The following is an entry in ClinVar:

NM_024426.6(WT1):c.52G>C (p.Ala18Pro)

Genes: WT1 (WT1 transcription factor; minus strand), LOC107982234 (WT1/WT1-AS bi-directional promoter region; plus strand). Cytogenetic location: 11p13.
Variant type: single nucleotide variant.
Coding change: c.52G>C on transcript NM_024426.6 (MANE Select); coding-DNA position 52, G replaced by C.
Protein change: p.Ala18Pro; replaces alanine 18 with proline.
Molecular consequence: missense variant. On other transcripts: non-coding transcript variant (1).
Genome position (GRCh38, 1-based): chr11:32,435,309, C>G on the plus strand (G>C on the coding strand, the complement: WT1 is on the minus strand). VCF-style: chr11-32435309-C-G. GRCh37 (hg19) VCF-style: chr11-32456855-C-G.
Other names: c.52G>C, p.Ala18Pro (NM_000378.6, NM_024424.5); short protein forms A18P.
Identifiers: ClinVar variation 656347 (VCV000656347.11), dbSNP rs1590411684, ClinGen allele CA379966489.
Genomic context (GRCh38, chr11:32,435,309, plus strand): 5'-CTCCCTGCTGCTCTGGCTGCTGTAGGCACCCAGGCCCGGAGCGGAGCGTGTGCTGAGACG[C>G]CGGCTCCGGGACACACGTGGAAGCCGGGTCCTGCAGCAAGAGGAAGTCCAGGATCGCGGC-3'
Protein context (NP_077744.4, residues 8-28): DPASTCVPEP[Ala18Pro]SQHTLRSGPG

ClinVar aggregate classification (germline): Uncertain significance. Review status: criteria provided, multiple submitters, no conflicts (2 of 4 stars). 3 submissions from 3 submitters: Uncertain significance (3). Last evaluated 2025-03-01.

Conditions:
Drash syndrome (DDS). Also called: WILMS TUMOR AND PSEUDO- OR TRUE HERMAPHRODITISM; NEPHROPATHY, WILMS TUMOR, AND GENITAL ANOMALIES. Identifiers: Orphanet 220, MedGen C0950121, MONDO:0008682, OMIM 194080.
Wilms tumor 1 (WT1). Also called: Wilms tumor, somatic. Identifiers: Orphanet 654, MedGen CN033288, MONDO:0008679, OMIM 194070.
11p partial monosomy syndrome (WAGR). Also called: WAGR Complex; WAGR syndrome; WAGR Spectrum Disorder; CHROMOSOME 11p13 DELETION SYNDROME. Identifiers: Orphanet 893, MedGen C0206115, MONDO:0008681, OMIM 194072.
Frasier syndrome. Identifiers: Orphanet 347, MedGen C0950122, MeSH D052159, MONDO:0007635, OMIM 136680.
Inborn genetic diseases. Identifiers: MedGen C0950123, MeSH D030342.

Submissions (3):

Ambry Genetics
Classification: Uncertain significance for Inborn genetic diseases. Last evaluated: 2025-03-01. Review status: criteria provided, single submitter. Criteria: Ambry Variant Classification Scheme 2023. Collection method: clinical testing. Allele origin: germline.
Comment: The p.A13P variant (also known as c.37G>C), located in coding exon 1 of the WT1 gene, results from a G to C substitution at nucleotide position 37. The alanine at codon 13 is replaced by proline, an amino acid with highly similar properties. This amino acid position is conserved. In addition, this alteration is predicted to be tolerated by in silico analysis. Based on the available evidence, the clinical significance of this variant remains unclear.

Labcorp Genetics (formerly Invitae), Labcorp
Classification: Uncertain significance for Wilms tumor 1; Drash syndrome; 11p partial monosomy syndrome; Frasier syndrome. Last evaluated: 2022-12-20. Review status: criteria provided, single submitter. Criteria: Invitae Variant Classification Sherloc (09022015). Collection method: clinical testing. Allele origin: germline.
Comment: This variant is not present in population databases (gnomAD no frequency). In summary, the available evidence is currently insufficient to determine the role of this variant in disease. Therefore, it has been classified as a Variant of Uncertain Significance. Algorithms developed to predict the effect of missense changes on protein structure and function are either unavailable or do not agree on the potential impact of this missense change (SIFT: "Deleterious"; PolyPhen-2: "Benign"; Align-GVGD: "Class C0"). ClinVar contains an entry for this variant (Variation ID: 656347). This variant has not been reported in the literature in individuals affected with WT1-related conditions. This sequence change replaces alanine, which is neutral and non-polar, with proline, which is neutral and non-polar, at codon 13 of the WT1 protein (p.Ala13Pro).

Human Genome Sequencing Center Clinical Lab, Baylor College of Medicine
Classification: Uncertain significance for Wilms tumor, type 1. Review status: criteria provided, single submitter. Criteria: ACMG Guidelines, 2015. Collection method: clinical testing. Allele origin: germline.